The following is an entry in ClinVar:

ClinVar aggregate classification (germline): Uncertain significance. Review status: criteria provided, multiple submitters, no conflicts (2 of 4 stars). 2 submissions from 2 submitters: Uncertain significance (2). Last evaluated 2025-10-04.

Conditions:
Inborn genetic diseases. Identifiers: MedGen C0950123, MeSH D030342.

gnomAD v4.1: 1 of 1,612,970 alleles (0.000062%); highest among the groups gnomAD compares: Non-Finnish European, 0.000085%; no homozygotes.

Submissions (2):

Labcorp Genetics (formerly Invitae), Labcorp
Classification: Uncertain significance. Last evaluated: 2025-10-04. Review status: criteria provided, single submitter. Criteria: Invitae Variant Classification Sherloc (09022015). Collection method: clinical testing. Allele origin: germline.
Comment: This sequence change replaces serine, which is neutral and polar, with cysteine, which is neutral and slightly polar, at codon 152 of the MECOM protein (p.Ser152Cys). This variant is present in population databases (no rsID available, gnomAD 0.0009%). This variant has not been reported in the literature in individuals affected with MECOM-related conditions. ClinVar contains an entry for this variant (Variation ID: 3394293). An algorithm developed to predict the effect of missense changes on protein structure and function (PolyPhen-2) suggests that this variant is likely to be disruptive. In summary, the available evidence is currently insufficient to determine the role of this variant in disease. Therefore, it has been classified as a Variant of Uncertain Significance.

Ambry Genetics
Classification: Uncertain significance for Inborn genetic diseases. Last evaluated: 2024-11-23. Review status: criteria provided, single submitter. Criteria: Ambry Variant Classification Scheme 2023. Collection method: clinical testing. Allele origin: germline.
Comment: The p.S340C variant (also known as c.1019C>G), located in coding exon 7 of the MECOM gene, results from a C to G substitution at nucleotide position 1019. The serine at codon 340 is replaced by cysteine, an amino acid with dissimilar properties. This amino acid position is conserved. In addition, the in silico prediction for this alteration is inconclusive. Based on the available evidence, the clinical significance of this variant remains unclear.

NM_004991.4(MECOM):c.1019C>G (p.Ser340Cys)

Gene: MECOM (MDS1 and EVI1 complex locus; minus strand). Cytogenetic location: 3q26.2.
Variant type: single nucleotide variant.
Coding change: c.1019C>G on transcript NM_004991.4 (MANE Select); coding-DNA position 1019, C replaced by G.
Protein change: p.Ser340Cys; replaces serine 340 with cysteine.
Molecular consequence: missense variant.
Genome position (GRCh38, 1-based): chr3:169,121,169, G>C on the plus strand (C>G on the coding strand, the complement: MECOM is on the minus strand). VCF-style: chr3-169121169-G-C. GRCh37 (hg19) VCF-style: chr3-168838957-G-C.
Other names: c.650C>G, p.Ser217Cys (NM_001105077.4); c.455C>G, p.Ser152Cys (NM_001105078.4, NM_001164000.2, NM_001205194.2 and 5 more transcripts); c.458C>G, p.Ser153Cys (NM_001163999.2, NM_001366467.2, NM_001366468.2 and 1 more transcripts); c.1019C>G, p.Ser340Cys (NM_001366466.2, NM_001366473.2); short protein forms S152C, S217C, S153C, S340C.
Identifiers: ClinVar variation 3394293 (VCV003394293.2).